The following is an entry in ClinVar:

NM_001009944.3(PKD1):c.2097+2T>C

Gene: PKD1 (polycystin 1, transient receptor potential channel interacting; minus strand). Cytogenetic location: 16p13.3.
Variant type: single nucleotide variant.
Coding change: c.2097+2T>C on transcript NM_001009944.3 (MANE Select); the canonical splice donor site of the intron after coding-DNA position 2097, T replaced by C.
Molecular consequence: splice donor variant.
Genome position (GRCh38, 1-based): chr16:2,115,376, A>G on the plus strand (T>C on the coding strand, the complement: PKD1 is on the minus strand). VCF-style: chr16-2115376-A-G. GRCh37 (hg19) VCF-style: chr16-2165377-A-G.
Other names: c.2097+2T>C (NM_000296.4).
Identifiers: ClinVar variation 873344 (VCV000873344.1), dbSNP rs2092614697, ClinGen allele CA394389419.

ClinVar aggregate classification (germline): Pathogenic (1 of 4 stars; one submission).

Conditions:
Polycystic kidney disease, adult type (PKD1). Also called: POLYCYSTIC KIDNEY DISEASE 1 WITH OR WITHOUT POLYCYSTIC LIVER DISEASE; Polycystic Kidney Disease 1, Autosomal Dominant; Polycystic kidney disease 1; Polycystic kidney disease 1, severe; Polycystic Kidney, Autosomal Dominant; POLYCYSTIC KIDNEY DISEASE, ADULT, TYPE I. Identifiers: MedGen C3149841, MONDO:0008263, OMIM 173900.

Submission:

Cavalleri Lab, Royal College of Surgeons in Ireland
Classification: Pathogenic for Polycystic kidney disease, adult type. Last evaluated: 2020-02-05. Review status: criteria provided, single submitter. Criteria: ACMG Guidelines, 2015. Collection method: research. Allele origin: unknown. Inheritance: Autosomal dominant inheritance. Affected: yes.
Comment: PVS1, PM2, PP3